The following is an entry in ClinVar:

ClinVar aggregate classification (germline): Uncertain significance (1 of 4 stars; one submission).

Conditions:
Hereditary breast ovarian cancer syndrome. Also called: Hereditary breast and ovarian cancer syndrome (HBOC); Breast and ovarian cancer; BRCA1- and BRCA2-Associated Hereditary Breast and Ovarian Cancer; Hereditary breast and ovarian cancer syndrome; Hereditary breast and ovarian cancer; Hereditary breast and/or ovarian cancer syndrome. Identifiers: Orphanet 145, MedGen C0677776, MeSH D061325, MONDO:0003582. Disease mechanism: loss of function.

Submission:

Labcorp Genetics (formerly Invitae), Labcorp
Classification: Uncertain significance for Hereditary breast ovarian cancer syndrome. Last evaluated: 2023-03-07. Review status: criteria provided, single submitter. Criteria: Invitae Variant Classification Sherloc (09022015). Collection method: clinical testing. Allele origin: germline.
Comment: This sequence change replaces lysine, which is basic and polar, with threonine, which is neutral and polar, at codon 583 of the BRCA1 protein (p.Lys583Thr). This variant is not present in population databases (gnomAD no frequency). This variant has not been reported in the literature in individuals affected with BRCA1-related conditions. Advanced modeling of protein sequence and biophysical properties (such as structural, functional, and spatial information, amino acid conservation, physicochemical variation, residue mobility, and thermodynamic stability) performed at Invitae indicates that this missense variant is not expected to disrupt BRCA1 protein function. In summary, the available evidence is currently insufficient to determine the role of this variant in disease. Therefore, it has been classified as a Variant of Uncertain Significance.

NM_007294.4(BRCA1):c.1748A>C (p.Lys583Thr)

Gene: BRCA1 (BRCA1 DNA repair associated; minus strand). Cytogenetic location: 17q21.31.
Variant type: single nucleotide variant.
Coding change: c.1748A>C on transcript NM_007294.4 (MANE Select); coding-DNA position 1748, A replaced by C.
Protein change: p.Lys583Thr; replaces lysine 583 with threonine.
Molecular consequence: missense variant. On other transcripts: intron variant (137).
Genome position (GRCh38, 1-based): chr17:43,093,783, T>G on the plus strand (A>C on the coding strand, the complement: BRCA1 is on the minus strand). VCF-style: chr17-43093783-T-G. GRCh37 (hg19) VCF-style: chr17-41245800-T-G.
Other names: c.1484A>C, p.Lys495Thr (NM_001407928.1, NM_001407929.1, NM_001407933.1 and 9 more transcripts); c.1481A>C, p.Lys494Thr (NM_001407930.1, NM_001407931.1, NM_001407932.1 and 2 more transcripts); c.784+961A>C (NM_001407984.1, NM_001408398.1, NM_001407992.1 and 13 more transcripts); c.664+961A>C (NM_001408443.1, NM_001408439.1, NM_001408425.1 and 12 more transcripts); c.670+2063A>C (NM_001408419.1, NM_001408422.1, NM_001408418.1 and 2 more transcripts); c.787+961A>C (NM_001408403.1, NM_001407983.1, NM_001407975.1 and 19 more transcripts); c.790+958A>C (NM_001408406.1); c.646+961A>C (NM_001408456.1, NM_001408410.1, NM_001408458.1 and 11 more transcripts); and 40 more; short protein forms K455T, K512T, K542T, K471T, K494T, K495T, K513T, K516T.
Identifiers: ClinVar variation 2843333 (VCV002843333.3), dbSNP rs2154426604, ClinGen allele CA10598536.